The following is an entry in ClinVar:

NM_182961.4(SYNE1):c.23824G>A (p.Gly7942Ser)

Gene: SYNE1 (spectrin repeat containing nuclear envelope protein 1; minus strand). Cytogenetic location: 6q25.2.
Variant type: single nucleotide variant.
Coding change: c.23824G>A on transcript NM_182961.4 (MANE Select); coding-DNA position 23824, G replaced by A.
Protein change: p.Gly7942Ser; replaces glycine 7942 with serine.
Molecular consequence: missense variant.
Genome position (GRCh38, 1-based): chr6:152,156,064, C>T on the plus strand (G>A on the coding strand, the complement: SYNE1 is on the minus strand). VCF-style: chr6-152156064-C-T. GRCh37 (hg19) VCF-style: chr6-152477199-C-T.
Other names: c.430G>A, p.Gly144Ser (NM_001347701.2); c.289G>A, p.Gly97Ser (NM_001347702.2); c.23611G>A, p.Gly7871Ser (NM_033071.5); short protein forms G7942S, G97S, G144S, G7871S.
Identifiers: ClinVar variation 1927961 (VCV001927961.5), dbSNP rs766538077, ClinGen allele CA4053339.

ClinVar aggregate classification (germline): Uncertain significance (1 of 4 stars; one submission).

Conditions:
Emery-Dreifuss muscular dystrophy 4, autosomal dominant (EDMD4). Also called: EMERY-DREIFUSS MUSCULAR DYSTROPHY 4 WITH VARIABLE FEATURES. Identifiers: Orphanet 261, MedGen C2751807, MONDO:0013071, OMIM 612998.
Autosomal recessive ataxia, Beauce type. Also called: SYNE1-Related Autosomal Recessive Cerebellar Ataxia; SYNE1 Deficiency; Spinocerebellar ataxia, autosomal recessive 8; ATAXIA, RECESSIVE, OF BEAUCE. Identifiers: Orphanet 88644, MedGen C1853116, MONDO:0012549, OMIM 610743.

Allele frequency attached by ClinVar (database versions not stated): gnomAD exomes below 0.00001; ExAC 0.00001; TOPMed 0.00002; gnomAD 0.00005.
gnomAD v4.1: 9 of 1,614,078 alleles (0.00056%); highest among the groups gnomAD compares: African/African-American, 0.012%; no homozygotes.

Submission:

Labcorp Genetics (formerly Invitae), Labcorp
Classification: Uncertain significance for Emery-Dreifuss muscular dystrophy 4, autosomal dominant; Autosomal recessive ataxia, Beauce type. Last evaluated: 2022-04-10. Review status: criteria provided, single submitter. Criteria: Invitae Variant Classification Sherloc (09022015). Collection method: clinical testing. Allele origin: germline.
Comment: This sequence change replaces glycine, which is neutral and non-polar, with serine, which is neutral and polar, at codon 7871 of the SYNE1 protein (p.Gly7871Ser). This variant is present in population databases (rs766538077, gnomAD 0.02%). This variant has not been reported in the literature in individuals affected with SYNE1-related conditions. Algorithms developed to predict the effect of missense changes on protein structure and function are either unavailable or do not agree on the potential impact of this missense change (SIFT: "Deleterious"; PolyPhen-2: "Probably Damaging"; Align-GVGD: "Class C0"). In summary, the available evidence is currently insufficient to determine the role of this variant in disease. Therefore, it has been classified as a Variant of Uncertain Significance.